The following is an entry in ClinVar:

ClinVar aggregate classification (germline): Uncertain significance (1 of 4 stars; one submission).

Submission:

Labcorp Genetics (formerly Invitae), Labcorp
Classification: Uncertain significance. Last evaluated: 2024-12-09. Review status: criteria provided, single submitter. Criteria: Invitae Variant Classification Sherloc (09022015). Collection method: clinical testing. Allele origin: germline.
Comment: This sequence change replaces aspartic acid, which is acidic and polar, with glutamic acid, which is acidic and polar, at codon 523 of the SMARCA2 protein (p.Asp523Glu). This variant is not present in population databases (gnomAD no frequency). This variant has not been reported in the literature in individuals affected with SMARCA2-related conditions. ClinVar contains an entry for this variant (Variation ID: 2106164). Invitae Evidence Modeling of protein sequence and biophysical properties (such as structural, functional, and spatial information, amino acid conservation, physicochemical variation, residue mobility, and thermodynamic stability) has been performed for this missense variant. However, the output from this modeling did not meet the statistical confidence thresholds required to predict the impact of this variant on SMARCA2 protein function. In summary, the available evidence is currently insufficient to determine the role of this variant in disease. Therefore, it has been classified as a Variant of Uncertain Significance.

NM_003070.5(SMARCA2):c.1569C>G (p.Asp523Glu)

Gene: SMARCA2 (SWI/SNF related BAF chromatin remodeling complex subunit ATPase 2; plus strand). Cytogenetic location: 9p24.3.
Variant type: single nucleotide variant.
Coding change: c.1569C>G on transcript NM_003070.5 (MANE Select); coding-DNA position 1569, C replaced by G.
Protein change: p.Asp523Glu; replaces aspartic acid 523 with glutamic acid.
Molecular consequence: missense variant.
Genome position (GRCh38, 1-based): chr9:2,060,863, C>G. VCF-style: chr9-2060863-C-G. GRCh37 (hg19) VCF-style: chr9-2060863-C-G.
Other names: c.1569C>G, p.Asp523Glu (NM_001289396.2, NM_001289397.2, NM_139045.4); short protein forms D523E.
Identifiers: ClinVar variation 2106164 (VCV002106164.4), dbSNP rs1019766057, ClinGen allele CA372782481.
Genomic context (GRCh38, chr9:2,060,863, plus strand): 5'-CTTTCCTTAATAGGCTGAAGATGAGGAGGGTTATAGAAAACTGATTGATCAAAAGAAAGA[C>G]AGGCGTTTAGCTTACCTTTTGCAGCAGACCGATGAGTATGTAGCCAATCTGACCAATCTG-3'
Protein context (NP_003061.3, residues 513-533): GYRKLIDQKK[Asp523Glu]RRLAYLLQQT